The following is an entry in ClinVar:

NM_001003787.4(STRADA):c.1053C>G (p.His351Gln)

Gene: STRADA (STE20 related adaptor alpha; minus strand). Cytogenetic location: 17q23.3.
Variant type: single nucleotide variant.
Coding change: c.1053C>G on transcript NM_001003787.4 (MANE Select); coding-DNA position 1053, C replaced by G.
Protein change: p.His351Gln; replaces histidine 351 with glutamine.
Molecular consequence: missense variant. On other transcripts: non-coding transcript variant (1), intron variant (6).
Genome position (GRCh38, 1-based): chr17:63,704,388, G>C on the plus strand (C>G on the coding strand, the complement: STRADA is on the minus strand). VCF-style: chr17-63704388-G-C. GRCh37 (hg19) VCF-style: chr17-61781748-G-C.
Other names: c.942C>G, p.His314Gln (NM_001003786.3, NM_153335.6); c.879C>G, p.His293Gln (NM_001003788.3); c.1029C>G, p.His343Gln (NM_001363786.1); c.966C>G, p.His322Gln (NM_001363787.1); c.898+44C>G (NM_001363789.1); c.835+44C>G (NM_001363790.1, NM_001363791.1); c.922+44C>G (NM_001165969.2); c.877+44C>G (NM_001165970.2); and 1 more; short protein forms H293Q, H314Q, H322Q, H343Q, H351Q.
Identifiers: ClinVar variation 1011736 (VCV001011736.8), dbSNP rs766039153, ClinGen allele CA8703149.

ClinVar aggregate classification (germline): Uncertain significance (1 of 4 stars; one submission).

Conditions:
Polyhydramnios, megalencephaly, and symptomatic epilepsy (PMSE). Also called: PMSE SYNDROME. Identifiers: Orphanet 500533, MedGen C1970203, MONDO:0012611, OMIM 611087.

Allele frequency attached by ClinVar (database versions not stated): ExAC 0.00001.

Submission:

Labcorp Genetics (formerly Invitae), Labcorp
Classification: Uncertain significance for Polyhydramnios, megalencephaly, and symptomatic epilepsy. Last evaluated: 2020-10-10. Review status: criteria provided, single submitter. Criteria: Invitae Variant Classification Sherloc (09022015). Collection method: clinical testing. Allele origin: germline.
Comment: Algorithms developed to predict the effect of missense changes on protein structure and function (SIFT, PolyPhen-2, Align-GVGD) all suggest that this variant is likely to be tolerated, but these predictions have not been confirmed by published functional studies and their clinical significance is uncertain. Algorithms developed to predict the effect of sequence changes on RNA splicing suggest that this variant may create or strengthen a splice site, but this prediction has not been confirmed by published transcriptional studies. In summary, the available evidence is currently insufficient to determine the role of this variant in disease. Therefore, it has been classified as a Variant of Uncertain Significance. This variant has not been reported in the literature in individuals with STRADA-related conditions. This sequence change replaces histidine with glutamine at codon 351 of the STRADA protein (p.His351Gln). The histidine residue is moderately conserved and there is a small physicochemical difference between histidine and glutamine. This variant is present in population databases (rs766039153, ExAC 0.01%).